The following is an entry in ClinVar:

ClinVar aggregate classification (germline): Uncertain significance. Review status: criteria provided, multiple submitters, no conflicts (2 of 4 stars). 2 submissions from 2 submitters: Uncertain significance (2). Last evaluated 2025-05-06.

Conditions:
Inborn genetic diseases. Identifiers: MedGen C0950123, MeSH D030342.
Propionic acidemia (PROP). Also called: HYPERGLYCINEMIA WITH KETOACIDOSIS AND LEUKOPENIA; KETOTIC HYPERGLYCINEMIA; GLYCINEMIA, KETOTIC. Identifiers: Orphanet 35, MedGen C0268579, MONDO:0011628, OMIM 606054, HP:0003571.

Allele frequency attached by ClinVar (database versions not stated): gnomAD exomes below 0.00001 and 0.00001; ExAC 0.00001; gnomAD 0.00001; TOPMed 0.00001.
gnomAD v4.1: 2 of 1,587,550 alleles (0.00013%); highest among the groups gnomAD compares: Non-Finnish European, 0.00017%; no homozygotes.

Submissions (2):

Ambry Genetics
Classification: Uncertain significance for Inborn genetic diseases. Last evaluated: 2025-05-06. Review status: criteria provided, single submitter. Criteria: Ambry Variant Classification Scheme 2023. Collection method: clinical testing. Allele origin: germline.

Labcorp Genetics (formerly Invitae), Labcorp
Classification: Uncertain significance for Propionic acidemia. Last evaluated: 2022-08-20. Review status: criteria provided, single submitter. Criteria: Invitae Variant Classification Sherloc (09022015). Collection method: clinical testing. Allele origin: germline.
Comment: This sequence change replaces asparagine, which is neutral and polar, with lysine, which is basic and polar, at codon 59 of the PCCA protein (p.Asn59Lys). This variant is present in population databases (rs778065877, gnomAD 0.002%). This variant has not been reported in the literature in individuals affected with PCCA-related conditions. ClinVar contains an entry for this variant (Variation ID: 863567). Advanced modeling of protein sequence and biophysical properties (such as structural, functional, and spatial information, amino acid conservation, physicochemical variation, residue mobility, and thermodynamic stability) performed at Invitae indicates that this missense variant is not expected to disrupt PCCA protein function. In summary, the available evidence is currently insufficient to determine the role of this variant in disease. Therefore, it has been classified as a Variant of Uncertain Significance.

NM_000282.4(PCCA):c.177T>A (p.Asn59Lys)

Gene: PCCA (propionyl-CoA carboxylase subunit alpha; plus strand). Cytogenetic location: 13q32.3.
Variant type: single nucleotide variant.
Coding change: c.177T>A on transcript NM_000282.4 (MANE Select); coding-DNA position 177, T replaced by A.
Protein change: p.Asn59Lys; replaces asparagine 59 with lysine.
Molecular consequence: missense variant. On other transcripts: 5 prime UTR variant (3), non-coding transcript variant (4), intron variant (3).
Genome position (GRCh38, 1-based): chr13:100,102,954, T>A. VCF-style: chr13-100102954-T-A. GRCh37 (hg19) VCF-style: chr13-100755208-T-A.
Other names: c.177T>A, p.Asn59Lys (NM_001178004.2, NM_001352605.2, NM_001352606.2 and 1 more transcripts); c.-690T>A (NM_001352610.2, NM_001352611.2, NM_001352612.2); c.106-8887T>A (NM_001127692.3, NM_001352607.2, NM_001352608.2); short protein forms N59K.
Identifiers: ClinVar variation 863567 (VCV000863567.7), dbSNP rs778065877, ClinGen allele CA7033107.